The following is an entry in ClinVar:

NM_005802.5(TOPORS):c.58C>G (p.Pro20Ala)

Gene: TOPORS (TOP1 binding arginine/serine rich protein, E3 ubiquitin ligase; minus strand). Cytogenetic location: 9p21.1.
Variant type: single nucleotide variant.
Coding change: c.58C>G on transcript NM_005802.5 (MANE Select); coding-DNA position 58, C replaced by G.
Protein change: p.Pro20Ala; replaces proline 20 with alanine.
Molecular consequence: missense variant. On other transcripts: intron variant (1).
Genome position (GRCh38, 1-based): chr9:32,550,914, G>C on the plus strand (C>G on the coding strand, the complement: TOPORS is on the minus strand). VCF-style: chr9-32550914-G-C. GRCh37 (hg19) VCF-style: chr9-32550912-G-C.
Other names: c.3+1520C>G (NM_001195622.2); short protein forms P20A.
Identifiers: ClinVar variation 3603233 (VCV003603233.2).
Genomic context (GRCh38, chr9:32,550,914, plus strand): 5'-AGGATCCGCGAAGGCGTACCCGGCGACTTCTCCGCCTACCCTCCGAAGCGGGAGCAGGCG[G>C]GGGCGCTTCACCCTCCTCGCGAGACAGCGGAGACCCCAGCGGCGGCTGCGACCCCTGTGA-3'
Protein context (NP_005793.2, residues 10-30): PLSREEGEAP[Pro20Ala]PAPASEGRRR

ClinVar aggregate classification (germline): Uncertain significance. Review status: criteria provided, multiple submitters, no conflicts (2 of 4 stars). 2 submissions from 2 submitters: Uncertain significance (2). Last evaluated 2024-08-05.

Submissions (2):

GeneDx
Classification: Uncertain significance. Last evaluated: 2024-08-05. Review status: criteria provided, single submitter. Criteria: GeneDx Variant Classification Process June 2021. Collection method: clinical testing. Allele origin: germline. Affected: yes.
Comment: Not observed at significant frequency in large population cohorts (gnomAD); In silico analysis indicates that this missense variant does not alter protein structure/function; Has not been previously published as pathogenic or benign to our knowledge

Blueprint Genetics
Classification: Uncertain significance. Last evaluated: 2019-09-20. Review status: criteria provided, single submitter. Criteria: ACMG Guidelines, 2015. Collection method: clinical testing. Allele origin: germline.